The following is an entry in ClinVar:

NC_000016.10:g.780671T>G

Variant type: single nucleotide variant.
Genome position: GRCh38 VCF-style: chr16-780671-T-G. GRCh37 (hg19) VCF-style: chr16-830671-T-G.
Identifiers: ClinVar variation 2645860 (VCV002645860.23), dbSNP rs769172537, ClinGen allele CA7793307.

ClinVar aggregate classification (germline): Likely benign (1 of 4 stars; one submission).

Submission:

CeGaT Center for Human Genetics Tuebingen
Classification: Likely benign. Last evaluated: 2026-05-01. Review status: criteria provided, single submitter. Criteria: CeGaT Center For Human Genetics Tuebingen Variant Classification Criteria Version 2. Collection method: clinical testing. Allele origin: germline. Affected: yes. Observed: 4 variant alleles.
Comment: MSLNL: BP4, BP7